The following is an entry in ClinVar:

ClinVar aggregate classification (germline): Uncertain significance (1 of 4 stars; one submission).

Conditions:
Citrullinemia. Identifiers: Orphanet 187, MedGen C0175683, MONDO:0015991.

Submission:

Labcorp Genetics (formerly Invitae), Labcorp
Classification: Uncertain significance for Citrullinemia. Last evaluated: 2021-08-24. Review status: criteria provided, single submitter. Criteria: Invitae Variant Classification Sherloc (09022015). Collection method: clinical testing. Allele origin: germline.
Comment: This sequence change replaces serine with asparagine at codon 3 of the ASS1 protein (p.Ser3Asn). The serine residue is moderately conserved and there is a small physicochemical difference between serine and asparagine. This variant is not present in population databases (ExAC no frequency). This variant has not been reported in the literature in individuals affected with ASS1-related conditions. Algorithms developed to predict the effect of missense changes on protein structure and function (SIFT, PolyPhen-2, Align-GVGD) all suggest that this variant is likely to be tolerated. In summary, the available evidence is currently insufficient to determine the role of this variant in disease. Therefore, it has been classified as a Variant of Uncertain Significance.

NM_054012.4(ASS1):c.8G>A (p.Ser3Asn)

Gene: ASS1 (argininosuccinate synthase 1; plus strand). Cytogenetic location: 9q34.11.
Variant type: single nucleotide variant.
Coding change: c.8G>A on transcript NM_054012.4 (MANE Select); coding-DNA position 8, G replaced by A.
Protein change: p.Ser3Asn; replaces serine 3 with asparagine.
Molecular consequence: missense variant.
Genome position (GRCh38, 1-based): chr9:130,452,236, G>A. VCF-style: chr9-130452236-G-A. GRCh37 (hg19) VCF-style: chr9-133327623-G-A.
Other names: c.8G>A, p.Ser3Asn (NM_000050.4); short protein forms S3N.
Identifiers: ClinVar variation 1024793 (VCV001024793.6), dbSNP rs1845344324, ClinGen allele CA375223469.